The following is an entry in ClinVar:

ClinVar aggregate classification (germline): Uncertain significance. Review status: criteria provided, multiple submitters, no conflicts (2 of 4 stars). 4 submissions from 4 submitters: Uncertain significance (3). 1 of the submissions does not count toward it. Last evaluated 2025-12-10.

Conditions:
Maple syrup urine disease type 1B (MSUD1B). Also called: MSUD type IB; MSUD type 3 (formerly); MSUD due to deficiency of e1-beta subunit of branched-chain alpha-keto acid dehydrogenase complex. Identifiers: MedGen C2930990, MONDO:0023692, OMIM 620698.
Maple syrup urine disease (MSUD). Identifiers: Orphanet 511, MedGen C0024776, MeSH D008375, MONDO:0009563. Disease mechanism: loss of function.

Allele frequency attached by ClinVar (database versions not stated): ExAC 0.00002; gnomAD exomes 0.00001.
gnomAD v4.1: 3 of 1,610,416 alleles (0.00019%); highest among the groups gnomAD compares: African/African-American, 0.0027%; no homozygotes.

Submissions (4):

Labcorp Genetics (formerly Invitae), Labcorp
Classification: Uncertain significance for Maple syrup urine disease. Last evaluated: 2025-12-10. Review status: criteria provided, single submitter. Criteria: Invitae Variant Classification Sherloc (09022015). Collection method: clinical testing. Allele origin: germline.
Comment: This sequence change replaces threonine, which is neutral and polar, with isoleucine, which is neutral and non-polar, at codon 122 of the BCKDHB protein (p.Thr122Ile). This variant is present in population databases (rs398124575, gnomAD 0.01%). This missense change has been observed in individual(s) with clinical features of BCKDHB-related conditions (internal data). ClinVar contains an entry for this variant (Variation ID: 96582). Invitae Evidence Modeling of protein sequence and biophysical properties (such as structural, functional, and spatial information, amino acid conservation, physicochemical variation, residue mobility, and thermodynamic stability) indicates that this missense variant is expected to disrupt BCKDHB protein function with a positive predictive value of 80%. In summary, the available evidence is currently insufficient to determine the role of this variant in disease. Therefore, it has been classified as a Variant of Uncertain Significance.

Genome-Nilou Lab
Classification: Uncertain significance for Maple syrup urine disease type 1A. Last evaluated: 2021-11-07. Review status: criteria provided, single submitter. Criteria: ACMG Guidelines, 2015. Collection method: clinical testing. Allele origin: germline. Affected: no.

Eurofins Ntd Llc (ga)
Classification: Uncertain significance. Last evaluated: 2013-09-03. Review status: criteria provided, single submitter. Criteria: EGL Classification Definitions 2015. Collection method: clinical testing. Allele origin: germline. Observed: 2 variant alleles, 2 heterozygotes.

Natera, Inc.
Classification: Uncertain significance for Maple syrup urine disease type 1B. Last evaluated: 2021-05-04. Review status: no assertion criteria provided. Collection method: clinical testing. Allele origin: germline. Not counted in ClinVar's aggregate classification.

NM_183050.4(BCKDHB):c.365C>T (p.Thr122Ile)

Gene: BCKDHB (branched chain keto acid dehydrogenase E1 subunit beta; plus strand). Cytogenetic location: 6q14.1.
Variant type: single nucleotide variant.
Coding change: c.365C>T on transcript NM_183050.4 (MANE Select); coding-DNA position 365, C replaced by T.
Protein change: p.Thr122Ile; replaces threonine 122 with isoleucine.
Molecular consequence: missense variant. On other transcripts: non-coding transcript variant (1).
Genome position (GRCh38, 1-based): chr6:80,167,699, C>T. VCF-style: chr6-80167699-C-T. GRCh37 (hg19) VCF-style: chr6-80877416-C-T.
Other names: c.365C>T, p.Thr122Ile (NM_000056.5); c.155C>T, p.Thr52Ile (NM_001318975.1); short protein forms T122I, T52I.
Identifiers: ClinVar variation 96582 (VCV000096582.15), dbSNP rs398124575, ClinGen allele CA224277.